The following is an entry in ClinVar:

NM_001267550.2(TTN):c.105182C>A (p.Ala35061Glu)

Genes: TTN (titin; minus strand), TTN-AS1 (TTN antisense RNA 1; plus strand). Cytogenetic location: 2q31.2.
Variant type: single nucleotide variant.
Coding change: c.105182C>A on transcript NM_001267550.2 (MANE Select); coding-DNA position 105182, C replaced by A.
Protein change: p.Ala35061Glu; replaces alanine 35061 with glutamic acid.
Molecular consequence: missense variant.
Genome position (GRCh38, 1-based): chr2:178,531,433, G>T on the plus strand (C>A on the coding strand, the complement: TTN is on the minus strand). VCF-style: chr2-178531433-G-T. GRCh37 (hg19) VCF-style: chr2-179396160-G-T.
Other names: c.100259C>A, p.Ala33420Glu (NM_001256850.1); c.77987C>A, p.Ala25996Glu (NM_003319.4); c.97478C>A, p.Ala32493Glu (NM_133378.4); c.78362C>A, p.Ala26121Glu (NM_133432.3); c.78563C>A, p.Ala26188Glu (NM_133437.4); short protein forms A35061E, A26188E, A33420E, A26121E, A32493E, A25996E.
Identifiers: ClinVar variation 578620 (VCV000578620.9), dbSNP rs762136167, ClinGen allele CA349409319.

ClinVar aggregate classification (germline): Uncertain significance (1 of 4 stars; one submission).

Conditions:
Dilated cardiomyopathy 1G (CMD1G). Identifiers: Orphanet 154, MedGen C1858763, MONDO:0011400, OMIM 604145.
Autosomal recessive limb-girdle muscular dystrophy type 2J (LGMDR10). Also called: Limb-girdle muscular dystrophy, type 2J; MUSCULAR DYSTROPHY, LIMB-GIRDLE, AUTOSOMAL RECESSIVE 10. Identifiers: Orphanet 140922, MedGen C1837342, MONDO:0012127, OMIM 608807.

Submission:

Labcorp Genetics (formerly Invitae), Labcorp
Classification: Uncertain significance for Dilated cardiomyopathy 1G; Autosomal recessive limb-girdle muscular dystrophy type 2J. Last evaluated: 2024-10-16. Review status: criteria provided, single submitter. Criteria: Invitae Variant Classification Sherloc (09022015). Collection method: clinical testing. Allele origin: germline.
Comment: This sequence change replaces alanine, which is neutral and non-polar, with glutamic acid, which is acidic and polar, at codon 35061 of the TTN protein (p.Ala35061Glu). This variant is not present in population databases (gnomAD no frequency). This variant has not been reported in the literature in individuals affected with TTN-related conditions. ClinVar contains an entry for this variant (Variation ID: 578620). An algorithm developed to predict the effect of missense changes on protein structure and function outputs the following: PolyPhen-2: "Not Available". The glutamic acid amino acid residue is found in multiple mammalian species, which suggests that this missense change does not adversely affect protein function. This variant is located in the M band of TTN (PMID: 25589632). Non-truncating variants in this region may be relevant for neuromuscular disorders, but have not been definitively shown to cause cardiomyopathy (PMID: 23975875). In summary, the available evidence is currently insufficient to determine the role of this variant in disease. Therefore, it has been classified as a Variant of Uncertain Significance.

Literature cited by the submitters: PubMed 25589632; PubMed 23975875.